The following is an entry in ClinVar:

NM_000057.4(BLM):c.1490A>C (p.Gln497Pro)

Gene: BLM (BLM RecQ like helicase; plus strand). Cytogenetic location: 15q26.1.
Variant type: single nucleotide variant.
Coding change: c.1490A>C on transcript NM_000057.4 (MANE Select); coding-DNA position 1490, A replaced by C.
Protein change: p.Gln497Pro; replaces glutamine 497 with proline.
Molecular consequence: missense variant.
Genome position (GRCh38, 1-based): chr15:90,760,863, A>C. VCF-style: chr15-90760863-A-C. GRCh37 (hg19) VCF-style: chr15-91304093-A-C.
Other names: c.1490A>C, p.Gln497Pro (NM_001287246.2, NM_001287247.2); c.365A>C, p.Gln122Pro (NM_001287248.2); short protein forms Q497P, Q122P.
Identifiers: ClinVar variation 454080 (VCV000454080.28), dbSNP rs368547042, ClinGen allele CA7738543.
Genomic context (GRCh38, chr15:90,760,863, plus strand): 5'-CAGGATTCTCTGCCACCAGGAAGAATCTTTTTGAAAGGCCTTTATTCAATACCCATTTAC[A>C]GAAGTCCTTTGTAAGTAGCAACTGGGCTGAAACACCAAGACTAGGAAAAAAAAATGAAAG-3'
Protein context (NP_000048.1, residues 487-507): FERPLFNTHL[Gln497Pro]KSFVSSNWAE

ClinVar aggregate classification (germline): Conflicting classifications of pathogenicity. Review status: criteria provided, conflicting classifications (1 of 4 stars). 10 submissions from 10 submitters: Uncertain significance (9); Likely benign (1). Last evaluated 2026-09-02.

Conditions:
Hereditary cancer-predisposing syndrome. Also called: Tumor predisposition; Hereditary Cancer Syndrome; Neoplastic Syndromes, Hereditary; Hereditary neoplastic syndrome. Identifiers: Orphanet 140162, MedGen C0027672, MeSH D009386, MONDO:0015356.
Bloom syndrome (BLM). Also called: Bloom-Torre-Machacek syndrome. Identifiers: Orphanet 125, MedGen C0005859, MONDO:0008876, OMIM 210900.

Allele frequency attached by ClinVar (database versions not stated): TOPMed 0.00003.
gnomAD v4.1: 42 of 1,614,128 alleles (0.0026%); highest among the groups gnomAD compares: Admixed American, 0.07%; no homozygotes.

Submissions (10):

GeneDx
Classification: Uncertain significance. Last evaluated: 2026-09-02. Review status: criteria provided, single submitter. Criteria: GeneDx Variant Classification Process June 2021. Collection method: clinical testing. Allele origin: germline.
Comment: Has not been previously published as pathogenic or benign to our knowledge; In silico analysis suggests that this missense variant does not alter protein structure/function; This variant is associated with the following publications: (PMID: 29338072)

Labcorp Genetics (formerly Invitae), Labcorp
Classification: Uncertain significance for Bloom syndrome. Last evaluated: 2026-01-22. Review status: criteria provided, single submitter. Criteria: Invitae Variant Classification Sherloc (09022015). Collection method: clinical testing. Allele origin: germline.
Comment: This sequence change replaces glutamine, which is neutral and polar, with proline, which is neutral and non-polar, at codon 497 of the BLM protein (p.Gln497Pro). This variant is present in population databases (rs368547042, gnomAD 0.1%). This variant has not been reported in the literature in individuals affected with BLM-related conditions. ClinVar contains an entry for this variant (Variation ID: 454080). Invitae Evidence Modeling of protein sequence and biophysical properties (such as structural, functional, and spatial information, amino acid conservation, physicochemical variation, residue mobility, and thermodynamic stability) indicates that this missense variant is not expected to disrupt BLM protein function with a negative predictive value of 80%. In summary, the available evidence is currently insufficient to determine the role of this variant in disease. Therefore, it has been classified as a Variant of Uncertain Significance.

Quest Diagnostics Nichols Institute San Juan Capistrano
Classification: Uncertain significance. Last evaluated: 2024-10-20. Review status: criteria provided, single submitter. Criteria: Quest Diagnostics criteria. Collection method: clinical testing. Allele origin: unknown.
Comment: The BLM c.1490A>C (p.Gln497Pro) variant has not been reported as a germline variant in individuals with BLM-related conditions in the published literature. The frequency of this variant in the general population, 0.0011 (38/34564 chromosomes in Admixed American subpopulation (Genome Aggregation Database)), is higher than would generally be expected for pathogenic variants in this gene. Analysis of this variant using bioinformatics tools for the prediction of the effect of amino acid changes on protein structure and function yielded predictions that this variant is benign. Based on the available information, we are unable to determine the clinical significance of this variant.

St. Jude Molecular Pathology, St. Jude Children's Research Hospital
Classification: Uncertain significance for Bloom syndrome. Last evaluated: 2024-08-03. Review status: criteria provided, single submitter. Criteria: St. Jude Assertion Criteria 2020. Collection method: clinical testing. Allele origin: germline.
Comment: The BLM c.1490A>C; p.Gln497Pro missense variant has a maximum subpopulation frequency of 0.11% in gnomAD v2.1.1. The in silico tool REVEL predicts a benign effect on protein function, but to our knowledge this prediction has not been confirmed by functional studies. To our knowledge, this variant has not been reported in the literature in individuals with Bloom syndrome. In summary, the evidence currently available is insufficient to determine the clinical significance of this variant. It has therefore been classified as of uncertain significance.

ARUP Laboratories, Molecular Genetics and Genomics, ARUP Laboratories
Classification: Uncertain significance for Bloom syndrome. Last evaluated: 2023-12-07. Review status: criteria provided, single submitter. Criteria: ARUP Molecular Germline Variant Investigation Process 2024. Collection method: clinical testing. Allele origin: germline.

Ambry Genetics
Classification: Likely benign for Hereditary cancer-predisposing syndrome. Last evaluated: 2023-04-11. Review status: criteria provided, single submitter. Criteria: Ambry Variant Classification Scheme 2023. Collection method: clinical testing. Allele origin: germline.

Fulgent Genetics
Classification: Uncertain significance for Bloom syndrome. Last evaluated: 2021-12-08. Review status: criteria provided, single submitter. Criteria: ACMG Guidelines, 2015. Collection method: clinical testing. Allele origin: unknown.

Center for Genomics, Ann and Robert H. Lurie Children's Hospital of Chicago
Classification: Uncertain significance for Bloom syndrome. Last evaluated: 2021-11-23. Review status: criteria provided, single submitter. Criteria: ACMG Guidelines, 2015. Collection method: clinical testing. Allele origin: germline.
Comment: BLM:NM_000057:exon7, p.Gln497Pro (c.1490A>C): This variant has not been reported in the literature but is present in 37/33556 Latino chromosomes in the Genome Aggregation Database. Evolutionary conservation and computational predictive tools suggest that this variant may not impact the protein. Of note, 4 species also carry this variant (Tenrec, Opossum, Tasmanian devil, Wallaby), further suggesting that this variant may not be damaging. In summary, data on this variant is insufficient for disease classification. Therefore, the clinical significance of this variant is uncertain.

Genome-Nilou Lab
Classification: Uncertain significance for Bloom syndrome. Last evaluated: 2021-07-14. Review status: criteria provided, single submitter. Criteria: ACMG Guidelines, 2015. Collection method: clinical testing. Allele origin: germline. Affected: no.

Blueprint Genetics
Classification: Uncertain significance. Last evaluated: 2018-05-29. Review status: criteria provided, single submitter. Criteria: ACMG Guidelines, 2015. Collection method: clinical testing. Allele origin: germline.

Literature cited by the submitters: PubMed 29338072 (cited by Quest Diagnostics Nichols Institute San Juan Capistrano).